The following is an entry in ClinVar:

NM_001378615.1(CC2D2A):c.1760del (p.Val587fs)

Genes: CC2D2A (coiled-coil and C2 domain containing 2A; plus strand), FBXL5 (F-box and leucine rich repeat protein 5; minus strand). Cytogenetic location: 4p15.32.
Variant type: Deletion.
Coding change: c.1760del on transcript NM_001378615.1 (MANE Select); coding-DNA position 1760, one base deleted (T; older notation c.1760delT).
Protein change: p.Val587fs; shifts the reading frame from valine 587.
Molecular consequence: frameshift variant.
Genome position (GRCh38, 1-based): chr4:15,537,072, T deleted. VCF-style (leftmost placement, unchanged base first): chr4-15537071-GT-G. GRCh37 (hg19) VCF-style: chr4-15538694-GT-G.
Other names: c.1760del, p.Val587fs (NM_001080522.2); c.1613del, p.Val538fs (NM_001378617.1); short protein forms V538fs, V587fs.
Identifiers: ClinVar variation 2924825 (VCV002924825.4), dbSNP rs1171520322, ClinGen allele CA549890758.
Genomic context (GRCh38, chr4:15,537,071, plus strand): 5'-TACGCACAGAAGATGGAAGAATACAGAACGTCGTTACAACAGTGGAAGGCCTGGAGGAAA[GT>G]GCAAGTGTGTAAACAAACACTCAGCCTGGAATAGGGCTGGCCAGGAAGTGTCTGGGAGGG-3'

ClinVar aggregate classification (germline): Pathogenic. Review status: criteria provided, multiple submitters, no conflicts (2 of 4 stars). 2 submissions from 2 submitters: Pathogenic (2). Last evaluated 2025-07-28.

Conditions:
Joubert syndrome and related disorders. Identifiers: Orphanet 140874, MedGen C5679612, MONDO:0015369.
Joubert syndrome. Also called: JOUBERT-BOLTSHAUSER SYNDROME; Familial aplasia of the vermis. Identifiers: Orphanet 475, MedGen C5979921, MONDO:0018772.
Meckel-Gruber syndrome. Also called: DYSENCEPHALIA SPLANCHNOCYSTICA; GRUBER SYNDROME; Dysencephalia splachnocystica. Identifiers: Orphanet 564, MedGen C0265215, MONDO:0018921.

Allele frequency attached by ClinVar (database versions not stated): gnomAD exomes below 0.00001; TOPMed below 0.00001.

Submissions (2):

Labcorp Genetics (formerly Invitae), Labcorp
Classification: Pathogenic for Joubert syndrome; Meckel-Gruber syndrome. Last evaluated: 2025-07-28. Review status: criteria provided, single submitter. Criteria: Invitae Variant Classification Sherloc (09022015). Collection method: clinical testing. Allele origin: germline.
Comment: This sequence change creates a premature translational stop signal (p.Val587Glyfs*31) in the CC2D2A gene. It is expected to result in an absent or disrupted protein product. Loss-of-function variants in CC2D2A are known to be pathogenic (PMID: 19777577). This variant is present in population databases (no rsID available, gnomAD 0.007%). This variant has not been reported in the literature in individuals affected with CC2D2A-related conditions. ClinVar contains an entry for this variant (Variation ID: 2924825). Algorithms developed to predict the effect of sequence changes on RNA splicing suggest that this variant may disrupt the consensus splice site. For these reasons, this variant has been classified as Pathogenic.

Myriad Genetics, Inc.
Classification: Pathogenic for Joubert syndrome and related disorders. Last evaluated: 2025-07-10. Review status: criteria provided, single submitter. Criteria: Myriad Autosomal Dominant, Autosomal Recessive and X-Linked Classification Criteria (2023). Collection method: clinical testing. Allele origin: unknown.
Comment: NM_001080522.2(CC2D2A):c.1760delT(V587Gfs*31) is expected to be pathogenic in the context of CC2D2A-related disorders. This variant is predicted to lead to an abnormal or absent protein product due to the creation of a premature termination codon in CC2D2A, a gene where loss-of-function variants are known to be pathogenic. Please note: this variant was assessed in the context of healthy population screening.

Literature cited by the submitters: PubMed 19777577 (cited by Labcorp Genetics (formerly Invitae), Labcorp).